The following is an entry in ClinVar:

NM_002941.4(ROBO1):c.3652G>A (p.Val1218Met)

Gene: ROBO1 (roundabout guidance receptor 1; minus strand). Cytogenetic location: 3p12.3.
Variant type: single nucleotide variant.
Coding change: c.3652G>A on transcript NM_002941.4 (MANE Select); coding-DNA position 3652, G replaced by A.
Protein change: p.Val1218Met; replaces valine 1218 with methionine.
Molecular consequence: missense variant.
Genome position (GRCh38, 1-based): chr3:78,627,544, C>T on the plus strand (G>A on the coding strand, the complement: ROBO1 is on the minus strand). VCF-style: chr3-78627544-C-T. GRCh37 (hg19) VCF-style: chr3-78676694-C-T.
Other names: c.3352G>A, p.Val1118Met (NM_001145845.2); c.3517G>A, p.Val1173Met (NM_133631.4); short protein forms V1118M, V1173M, V1218M.
Identifiers: ClinVar variation 734039 (VCV000734039.13), dbSNP rs201971706, ClinGen allele CA2498294.

ClinVar aggregate classification (germline): Likely benign. Review status: criteria provided, multiple submitters, no conflicts (2 of 4 stars). 4 submissions from 4 submitters: Likely benign (3). 1 of the submissions does not count toward it. Last evaluated 2026-04-01.

Conditions:
Inborn genetic diseases. Identifiers: MedGen C0950123, MeSH D030342.
ROBO1-related disorder. Also called: ROBO1-related condition.

Allele frequency attached by ClinVar (database versions not stated): ESP Exome Variant Server 0.00016; gnomAD 0.00046 and 0.00049; ExAC 0.00054; 1000 Genomes Project 0.00060; TOPMed 0.00060; gnomAD exomes 0.00065; 1000 Genomes Project 30x 0.00078.
gnomAD v4.1: 906 of 1,612,744 alleles (0.056%); highest among the groups gnomAD compares: Middle Eastern, 0.3%; 2 homozygotes.

Submissions (4):

CeGaT Center for Human Genetics Tuebingen
Classification: Likely benign. Last evaluated: 2026-04-01. Review status: criteria provided, single submitter. Criteria: CeGaT Center For Human Genetics Tuebingen Variant Classification Criteria Version 2. Collection method: clinical testing. Allele origin: germline. Affected: yes. Observed: 1 variant allele.
Comment: ROBO1: BS2

Labcorp Genetics (formerly Invitae), Labcorp
Classification: Likely benign. Last evaluated: 2026-01-06. Review status: criteria provided, single submitter. Criteria: Invitae Variant Classification Sherloc (09022015). Collection method: clinical testing. Allele origin: germline.

Ambry Genetics
Classification: Likely benign for Inborn genetic diseases. Last evaluated: 2025-08-03. Review status: criteria provided, single submitter. Criteria: Ambry Variant Classification Scheme 2023. Collection method: clinical testing. Allele origin: germline.

PreventionGenetics, part of Exact Sciences
Classification: Likely benign for ROBO1-related condition. Last evaluated: 2021-02-04. Review status: no assertion criteria provided. Collection method: clinical testing. Allele origin: germline. Not counted in ClinVar's aggregate classification.
Comment: This variant is classified as likely benign based on ACMG/AMP sequence variant interpretation guidelines (Richards et al. 2015 PMID: 25741868, with internal and published modifications).